The following is an entry in ClinVar:

NM_003680.4(YARS1):c.591+4_591+7del

Gene: YARS1 (tyrosyl-tRNA synthetase 1; minus strand). Cytogenetic location: 1p35.1.
Variant type: Deletion.
Coding change: c.591+4_591+7del on transcript NM_003680.4 (MANE Select); bases 4 to 7 of the intron after coding-DNA position 591, 4 bases deleted (AGTG; older notation c.591+4_591+7delAGTG).
Molecular consequence: splice donor variant.
Genome position (GRCh38, 1-based): chr1:32,797,756-32,797,759, CACT deleted on the plus strand (AGTG on the coding strand, the reverse complement: YARS1 is on the minus strand); deleting any 4 consecutive bases within chr1:32,797,756-32,797,762 gives the same sequence; the c. name uses the placement nearest the transcript's 3' end. VCF-style (leftmost placement, unchanged base first): chr1-32797755-ACACT-A. GRCh37 (hg19) VCF-style: chr1-33263356-ACACT-A.
Identifiers: ClinVar variation 2890588 (VCV002890588.3), dbSNP rs1653651607, ClinGen allele CA2473070882.

ClinVar aggregate classification (germline): Uncertain significance (1 of 4 stars; one submission).

Conditions:
Charcot-Marie-Tooth disease dominant intermediate C (CMTDIC). Also called: CHARCOT-MARIE-TOOTH NEUROPATHY, DOMINANT INTERMEDIATE C. Identifiers: Orphanet 100045, MedGen C1842237, MONDO:0012012, OMIM 608323.

Submission:

Labcorp Genetics (formerly Invitae), Labcorp
Classification: Uncertain significance for Charcot-Marie-Tooth disease dominant intermediate C. Last evaluated: 2024-10-07. Review status: criteria provided, single submitter. Criteria: Invitae Variant Classification Sherloc (09022015). Collection method: clinical testing. Allele origin: germline.
Comment: This sequence change falls in intron 5 of the YARS gene. It does not directly change the encoded amino acid sequence of the YARS protein. It affects a nucleotide within the consensus splice site. This variant is not present in population databases (gnomAD no frequency). This variant has not been reported in the literature in individuals affected with YARS-related conditions. Variants that disrupt the consensus splice site are a relatively common cause of aberrant splicing (PMID: 17576681, 9536098). Algorithms developed to predict the effect of sequence changes on RNA splicing suggest that this variant may disrupt the consensus splice site. In summary, the available evidence is currently insufficient to determine the role of this variant in disease. Therefore, it has been classified as a Variant of Uncertain Significance.

Literature cited by the submitters: PubMed 17576681; PubMed 9536098.